The following is an entry in ClinVar:

NM_173551.5(ANKS6):c.1425G>T (p.Leu475=)

Gene: ANKS6 (ankyrin repeat and sterile alpha motif domain containing 6; minus strand). Cytogenetic location: 9q22.33.
Variant type: single nucleotide variant.
Coding change: c.1425G>T on transcript NM_173551.5 (MANE Select); coding-DNA position 1425, G replaced by T.
Protein change: p.Leu475=; no amino-acid change (leucine 475 retained).
Molecular consequence: synonymous variant.
Genome position (GRCh38, 1-based): chr9:98,778,368, C>A on the plus strand (G>T on the coding strand, the complement: ANKS6 is on the minus strand). VCF-style: chr9-98778368-C-A. GRCh37 (hg19) VCF-style: chr9-101540650-C-A.
Other names: c.1425G>T (NM_173551.4).
Identifiers: ClinVar variation 2038251 (VCV002038251.5), dbSNP rs527829387, ClinGen allele CA5153502.
Genomic context (GRCh38, chr9:98,778,368, plus strand): 5'-CAGAGCTGGCTCAGGCTCGTCAGAGAAAGGCAAAGGCTGGTTGCTGGACAGCCCACGGGG[C>A]AGCGTCTGCATCAGTTTGAGCTTTCGGAACCGATTGGACATTCGGTTCCACCAGGACTGC-3'
Protein context (NP_775822.3, residues 465-485): RFRKLKLMQT[Leu475=]PRGLSSNQPL

ClinVar aggregate classification (germline): Likely benign. Review status: criteria provided, multiple submitters, no conflicts (2 of 4 stars). 2 submissions from 2 submitters: Likely benign (2). Last evaluated 2026-01-06.

Conditions:
Nephronophthisis 16 (NPHP16). Identifiers: Orphanet 655, MedGen C3809320, MONDO:0014158, OMIM 615382.
ANKS6-related disorder. Also called: ANKS6-related condition.

Allele frequency attached by ClinVar (database versions not stated): gnomAD exomes 0.00001; ExAC 0.00003; gnomAD 0.00012; TOPMed 0.00017; 1000 Genomes Project 0.00040; 1000 Genomes Project 30x 0.00047.

Submissions (2):

PreventionGenetics, part of Exact Sciences
Classification: Likely benign for ANKS6-related condition. Last evaluated: 2026-01-06. Review status: criteria provided, single submitter. Criteria: ACMG Guidelines, 2015. Collection method: clinical testing. Allele origin: germline.
Comment: This variant is classified as likely benign based on ACMG/AMP sequence variant interpretation guidelines (Richards et al. 2015 PMID: 25741868, with internal and published modifications).

Labcorp Genetics (formerly Invitae), Labcorp
Classification: Likely benign for Nephronophthisis 16. Last evaluated: 2025-03-13. Review status: criteria provided, single submitter. Criteria: Invitae Variant Classification Sherloc (09022015). Collection method: clinical testing. Allele origin: germline.